The following is an entry in ClinVar:

ClinVar aggregate classification (germline): Uncertain significance. Review status: criteria provided, multiple submitters, no conflicts (2 of 4 stars). 2 submissions from 2 submitters: Uncertain significance (2). Last evaluated 2025-12-08.

Conditions:
Vitamin D-dependent rickets type II with alopecia (VDDR2A). Also called: Vitamin D-dependent rickets, type 2A; GENERALIZED RESISTANCE TO 1,25-DIHYDROXYVITAMIN D; HYPOCALCEMIC VITAMIN D-RESISTANT RICKETS; PDDR IIA; PSEUDOVITAMIN D-DEFICIENCY, TYPE IIA; RICKETS, HEREDITARY VITAMIN D-RESISTANT. Identifiers: Orphanet 93160, MedGen C0342646, MONDO:0010186, OMIM 277440.

Allele frequency attached by ClinVar (database versions not stated): gnomAD 0.00002; TOPMed 0.00002.

Submissions (2):

Labcorp Genetics (formerly Invitae), Labcorp
Classification: Uncertain significance. Last evaluated: 2025-12-08. Review status: criteria provided, single submitter. Criteria: Invitae Variant Classification Sherloc (09022015). Collection method: clinical testing. Allele origin: germline.
Comment: This sequence change replaces proline, which is neutral and non-polar, with serine, which is neutral and polar, at codon 21 of the VDR protein (p.Pro21Ser). This variant is present in population databases (rs371855706, gnomAD 0.003%). This variant has not been reported in the literature in individuals affected with VDR-related conditions. ClinVar contains an entry for this variant (Variation ID: 959736). Invitae Evidence Modeling of protein sequence and biophysical properties (such as structural, functional, and spatial information, amino acid conservation, physicochemical variation, residue mobility, and thermodynamic stability) indicates that this missense variant is not expected to disrupt VDR protein function with a negative predictive value of 80%. In summary, the available evidence is currently insufficient to determine the role of this variant in disease. Therefore, it has been classified as a Variant of Uncertain Significance.

Fulgent Genetics
Classification: Uncertain significance for Vitamin D-dependent rickets type II with alopecia. Last evaluated: 2023-12-27. Review status: criteria provided, single submitter. Criteria: ACMG Guidelines, 2015. Collection method: clinical testing. Allele origin: germline.

NM_000376.3(VDR):c.61C>T (p.Pro21Ser)

Gene: VDR (vitamin D receptor; minus strand). Cytogenetic location: 12q13.11.
Variant type: single nucleotide variant.
Coding change: c.61C>T on transcript NM_000376.3 (MANE Select); coding-DNA position 61, C replaced by T.
Protein change: p.Pro21Ser; replaces proline 21 with serine.
Molecular consequence: missense variant.
Genome position (GRCh38, 1-based): chr12:47,879,053, G>A on the plus strand (C>T on the coding strand, the complement: VDR is on the minus strand). VCF-style: chr12-47879053-G-A. GRCh37 (hg19) VCF-style: chr12-48272836-G-A.
Other names: c.61C>T, p.Pro21Ser (NM_001017535.2, NM_001364085.2, NM_001374661.1 and 1 more transcripts); c.211C>T, p.Pro71Ser (NM_001017536.2); short protein forms P71S, P21S.
Identifiers: ClinVar variation 959736 (VCV000959736.9), dbSNP rs371855706, ClinGen allele CA6534091.